The following is an entry in ClinVar:

ClinVar aggregate classification (germline): Pathogenic (1 of 4 stars; one submission).

Conditions:
Usher syndrome type 1 (USH1). Also called: RETINITIS PIGMENTOSA AND CONGENITAL DEAFNESS. Identifiers: Orphanet 231169, Orphanet 886, MedGen C1568247, MONDO:0010168, OMIM 276900.

Submission:

Myriad Genetics, Inc.
Classification: Pathogenic for Usher syndrome type 1. Last evaluated: 2024-10-21. Review status: criteria provided, single submitter. Criteria: Myriad Autosomal Dominant, Autosomal Recessive and X-Linked Classification Criteria (2023). Collection method: clinical testing. Allele origin: unknown.
Comment: NM_000260.3(MYO7A):c.262del1ins11(R88Yfs*55) is expected to be pathogenic in the context of MYO7A-related disorders. This variant is predicted to lead to an abnormal or absent protein product due to the creation of a premature termination codon in MYO7A, a gene where loss-of-function variants are known to be pathogenic. Please note: this variant was assessed in the context of healthy population screening.

NM_000260.4(MYO7A):c.262delinsTACCTGCTTAT (p.Arg88fs)

Gene: MYO7A (myosin VIIA; plus strand). Cytogenetic location: 11q13.5.
Variant type: Indel.
Coding change: c.262delinsTACCTGCTTAT on transcript NM_000260.4 (MANE Select); coding-DNA position 262, C replaced by TACCTGCTTAT.
Protein change: p.Arg88fs; shifts the reading frame from arginine 88.
Molecular consequence: frameshift variant.
Genome position (GRCh38, 1-based): chr11:77,147,927, C replaced by TACCTGCTTAT. VCF-style: chr11-77147927-C-TACCTGCTTAT. GRCh37 (hg19) VCF-style: chr11-76858973-C-TACCTGCTTAT.
Other names: c.262delinsTACCTGCTTAT, p.Arg88fs (NM_001127180.2); c.229delinsTACCTGCTTAT, p.Arg77fs (NM_001369365.1); short protein forms R77fs, R88fs.
Identifiers: ClinVar variation 5013659 (VCV005013659.1).